The following is an entry in ClinVar:

ClinVar aggregate classification (germline): Likely pathogenic (1 of 4 stars; one submission).

Conditions:
Familial hemiplegic migraine. Identifiers: MedGen C0338484, MONDO:0000700.

Allele frequency attached by ClinVar (database versions not stated): gnomAD exomes below 0.00001; ExAC 0.00001.
gnomAD v4.1: 1 of 1,614,060 alleles (0.000062%); highest among the groups gnomAD compares: Non-Finnish European, 0.000085%; no homozygotes.

Submission:

Labcorp Genetics (formerly Invitae), Labcorp
Classification: Likely pathogenic for Familial hemiplegic migraine. Last evaluated: 2023-10-13. Review status: criteria provided, single submitter. Criteria: Invitae Variant Classification Sherloc (09022015). Collection method: clinical testing. Allele origin: germline.
Comment: This sequence change affects an acceptor splice site in intron 14 of the ATP1A2 gene. It is expected to disrupt RNA splicing. Variants that disrupt the donor or acceptor splice site typically lead to a loss of protein function (PMID: 16199547), and loss-of-function variants in ATP1A2 are known to be pathogenic (PMID: 30690204). This variant is present in population databases (rs746362740, gnomAD 0.0009%). This variant has not been reported in the literature in individuals affected with ATP1A2-related conditions. Algorithms developed to predict the effect of sequence changes on RNA splicing suggest that this variant may disrupt the consensus splice site. In summary, the currently available evidence indicates that the variant is pathogenic, but additional data are needed to prove that conclusively. Therefore, this variant has been classified as Likely Pathogenic.

Literature cited by the submitters: PubMed 16199547; PubMed 30690204.

NM_000702.4(ATP1A2):c.1965-2A>G

Gene: ATP1A2 (ATPase Na+/K+ transporting subunit alpha 2; plus strand). Cytogenetic location: 1q23.2.
Variant type: single nucleotide variant.
Coding change: c.1965-2A>G on transcript NM_000702.4 (MANE Select); the canonical splice acceptor site of the intron before coding-DNA position 1965, A replaced by G.
Molecular consequence: splice acceptor variant.
Genome position (GRCh38, 1-based): chr1:160,135,143, A>G. VCF-style: chr1-160135143-A-G. GRCh37 (hg19) VCF-style: chr1-160104933-A-G.
Identifiers: ClinVar variation 2996042 (VCV002996042.3), dbSNP rs746362740, ClinGen allele CA1194638.